The following is an entry in ClinVar:

NM_003737.4(DCHS1):c.713A>G (p.Gln238Arg)

Gene: DCHS1 (dachsous cadherin-related 1; minus strand). Cytogenetic location: 11p15.4.
Variant type: single nucleotide variant.
Coding change: c.713A>G on transcript NM_003737.4 (MANE Select); coding-DNA position 713, A replaced by G.
Protein change: p.Gln238Arg; replaces glutamine 238 with arginine.
Molecular consequence: missense variant.
Genome position (GRCh38, 1-based): chr11:6,640,901, T>C on the plus strand (A>G on the coding strand, the complement: DCHS1 is on the minus strand). VCF-style: chr11-6640901-T-C. GRCh37 (hg19) VCF-style: chr11-6662132-T-C.
Other names: short protein forms Q238R.
Identifiers: ClinVar variation 2702985 (VCV002702985.3), dbSNP rs1856062196, ClinGen allele CA379440777.

ClinVar aggregate classification (germline): Uncertain significance (1 of 4 stars; one submission).

Allele frequency attached by ClinVar (database versions not stated): gnomAD exomes 0.00001.
gnomAD v4.1: 4 of 1,614,010 alleles (0.00025%); highest among the groups gnomAD compares: East Asian, 0.0089%; no homozygotes.

Submission:

Labcorp Genetics (formerly Invitae), Labcorp
Classification: Uncertain significance. Last evaluated: 2023-12-14. Review status: criteria provided, single submitter. Criteria: Invitae Variant Classification Sherloc (09022015). Collection method: clinical testing. Allele origin: germline.
Comment: This sequence change replaces glutamine, which is neutral and polar, with arginine, which is basic and polar, at codon 238 of the DCHS1 protein (p.Gln238Arg). This variant is not present in population databases (gnomAD no frequency). This variant has not been reported in the literature in individuals affected with DCHS1-related conditions. Advanced modeling of protein sequence and biophysical properties (such as structural, functional, and spatial information, amino acid conservation, physicochemical variation, residue mobility, and thermodynamic stability) performed at Invitae indicates that this missense variant is not expected to disrupt DCHS1 protein function with a negative predictive value of 95%. In summary, the available evidence is currently insufficient to determine the role of this variant in disease. Therefore, it has been classified as a Variant of Uncertain Significance.